The following is an entry in ClinVar:

ClinVar aggregate classification (germline): Uncertain significance. Review status: criteria provided, multiple submitters, no conflicts (2 of 4 stars). 3 submissions from 3 submitters: Uncertain significance (3). Last evaluated 2025-11-16.

Conditions:
Hypertrophic cardiomyopathy 1 (CMH1). Also called: Familial hypertrophic cardiomyopathy 1; MYH7-Related Familial Hypertrophic Cardiomyopathy. Identifiers: MedGen C3495498, MONDO:0008647, OMIM 192600.

Allele frequency attached by ClinVar (database versions not stated): ExAC 0.00002; gnomAD exomes 0.00002 and 0.00004; gnomAD 0.00003; TOPMed 0.00005.
gnomAD v4.1: 31 of 1,613,910 alleles (0.0019%); highest among the groups gnomAD compares: Admixed American, 0.023%; no homozygotes.

Submissions (3):

Labcorp Genetics (formerly Invitae), Labcorp
Classification: Uncertain significance for Hypertrophic cardiomyopathy 1. Last evaluated: 2025-11-16. Review status: criteria provided, single submitter. Criteria: Invitae Variant Classification Sherloc (09022015). Collection method: clinical testing. Allele origin: germline.
Comment: This sequence change replaces glycine, which is neutral and non-polar, with arginine, which is basic and polar, at codon 62 of the MYLK2 protein (p.Gly62Arg). This variant is present in population databases (rs755363421, gnomAD 0.02%). This variant has not been reported in the literature in individuals affected with MYLK2-related conditions. ClinVar contains an entry for this variant (Variation ID: 1007335). Invitae Evidence Modeling of protein sequence and biophysical properties (such as structural, functional, and spatial information, amino acid conservation, physicochemical variation, residue mobility, and thermodynamic stability) indicates that this missense variant is not expected to disrupt MYLK2 protein function with a negative predictive value of 80%. In summary, the available evidence is currently insufficient to determine the role of this variant in disease. Therefore, it has been classified as a Variant of Uncertain Significance.

Revvity Omics, Revvity
Classification: Uncertain significance for Hypertrophic cardiomyopathy 1. Last evaluated: 2025-04-25. Review status: criteria provided, single submitter. Criteria: ACMG Guidelines, 2015. Collection method: clinical testing. Allele origin: germline.

Ambry Genetics
Classification: Uncertain significance. Last evaluated: 2025-03-03. Review status: criteria provided, single submitter. Criteria: Ambry Variant Classification Scheme 2023. Collection method: clinical testing. Allele origin: germline.

NM_033118.4(MYLK2):c.184G>A (p.Gly62Arg)

Gene: MYLK2 (myosin light chain kinase 2; plus strand). Cytogenetic location: 20q11.21.
Variant type: single nucleotide variant.
Coding change: c.184G>A on transcript NM_033118.4 (MANE Select); coding-DNA position 184, G replaced by A.
Protein change: p.Gly62Arg; replaces glycine 62 with arginine.
Molecular consequence: missense variant.
Genome position (GRCh38, 1-based): chr20:31,820,257, G>A. VCF-style: chr20-31820257-G-A. GRCh37 (hg19) VCF-style: chr20-30408060-G-A.
Other names: c.184G>A (NM_033118.3); short protein forms G62R.
Identifiers: ClinVar variation 1007335 (VCV001007335.8), dbSNP rs755363421, ClinGen allele CA9802857.